The following is an entry in ClinVar:

ClinVar aggregate classification (germline): Conflicting classifications of pathogenicity. Review status: criteria provided, conflicting classifications (1 of 4 stars). 2 submissions from 2 submitters: Likely pathogenic (1); Uncertain significance (1). Last evaluated 2024-10-09.

Conditions:
Alport syndrome. Also called: Hemorrhagic familial nephritis; Hemorrhagic hereditary nephritis; Congenital hereditary hematuria. Identifiers: Orphanet 63, MedGen C1567741, MONDO:0018965.

Submissions (2):

Victorian Clinical Genetics Services, Murdoch Childrens Research Institute
Classification: Likely pathogenic for Alport syndrome. Last evaluated: 2024-10-09. Review status: criteria provided, single submitter. Criteria: ACMG Guidelines, 2015. Collection method: clinical testing. Allele origin: germline. Affected: yes.
Comment: Based on the classification scheme VCGS_Germline_v1.3.4, this variant is classified as Likely pathogenic. Following criteria are met: 0103 - Dominant negative and loss of function are known mechanisms of disease in this gene and are associated with Alport syndrome (MONDO:0018965), COL4A3-related. Glycine changes that are part of a G-X-Y repeat in the triple helix of a collagen domain are known to have a dominant negative effect (PMID: 12028435). (I) 0108 - This gene is associated with both recessive (Alport syndrome 2 MIM#203780) and dominant disease (Alport syndrome 3 MIM#104200) (OMIM). (I) 0200 - Variant is predicted to result in a missense amino acid change from glycine to glutamic acid. (I) 0251 - This variant is heterozygous. (I) 0301 - Variant is absent from gnomAD (both v2 and v3). (SP) 0502 - Missense variant with conflicting in silico predictions and high conservation. (I) 0601 - Variant is located in the well-established functional Gly-X-Y motif and affects a glycine residue (DECIPHER). (SP) 0705 - No comparable missense variants have previous evidence for pathogenicity. (I) 0809 - Previous evidence of pathogenicity for this variant is inconclusive. This variant has been classified as a VUS by a clinical laboratory in ClinVar. (I) 0905 - No published segregation evidence has been identified for this variant. (I) 1007 - No published functional evidence has been identified for this variant. (I) Legend: (SP) - Supporting pathogenic, (I) - Information, (SB) - Supporting benign

Labcorp Genetics (formerly Invitae), Labcorp
Classification: Uncertain significance. Last evaluated: 2022-04-18. Review status: criteria provided, single submitter. Criteria: Invitae Variant Classification Sherloc (09022015). Collection method: clinical testing. Allele origin: germline.
Comment: In summary, the available evidence is currently insufficient to determine the role of this variant in disease. Therefore, it has been classified as a Variant of Uncertain Significance. Experimental studies and prediction algorithms are not available or were not evaluated, and the functional significance of this variant is currently unknown. This variant has not been reported in the literature in individuals affected with COL4A3-related conditions. Information on the frequency of this variant in the gnomAD database is not available, as this variant may be reported differently in the database. This sequence change replaces glycine, which is neutral and non-polar, with glutamic acid, which is acidic and polar, at codon 1409 of the COL4A3 protein (p.Gly1409Glu).

Literature cited by the submitters: PubMed 12028435 (cited by Victorian Clinical Genetics Services, Murdoch Childrens Research Institute).

NM_000091.5(COL4A3):c.4226_4227delinsAA (p.Gly1409Glu)

Genes: COL4A3 (collagen type IV alpha 3 chain; plus strand), MFF-DT (MFF divergent transcript; minus strand). Cytogenetic location: 2q36.3.
Variant type: Indel.
Coding change: c.4226_4227delinsAA on transcript NM_000091.5 (MANE Select); coding-DNA positions 4226 to 4227, GC replaced by AA.
Protein change: p.Gly1409Glu; replaces glycine 1409 with glutamic acid.
Molecular consequence: missense variant.
Genome position (GRCh38, 1-based): chr2:227,305,057-227,305,058, GC replaced by AA. VCF-style: chr2-227305057-GC-AA. GRCh37 (hg19) VCF-style: chr2-228169773-GC-AA.
Other names: short protein forms G1409E.
Identifiers: ClinVar variation 2113497 (VCV002113497.5), dbSNP rs2469916604, ClinGen allele CA2580066041.
Genomic context (GRCh38, chr2:227,305,057, plus strand): 5'-CAAGAGGTAAGCCAGGCAAGGATGGAAAACCAGGAACTCCTGGACCAGCTGGAGAAAAAG[GC>AA]AACAAAGGTTCTAAAGGAGAGCCAGGTAAACCCCCAGCTTGTTTCCTCACCGAAGAAGTG-3'
Protein context (NP_000082.2, residues 1399-1419): PGTPGPAGEK[Gly1409Glu]NKGSKGEPGP